The following is an entry in ClinVar:

NM_017739.4(POMGNT1):c.879+5G>A

Genes: POMGNT1 (protein O-linked mannose N-acetylglucosaminyltransferase 1 (beta 1,2-); minus strand), TSPAN1 (tetraspanin 1; plus strand). Cytogenetic location: 1p34.1.
Variant type: single nucleotide variant.
Coding change: c.879+5G>A on transcript NM_017739.4 (MANE Select); 5 bases into the intron after coding-DNA position 879, G replaced by A.
Molecular consequence: intron variant.
Genome position (GRCh38, 1-based): chr1:46,194,269, C>T on the plus strand (G>A on the coding strand, the complement: POMGNT1 is on the minus strand). VCF-style: chr1-46194269-C-T. GRCh37 (hg19) VCF-style: chr1-46659941-C-T.
Other names: c.879+5G>A (NM_001243766.2, NM_001438686.1, NM_001438688.1 and 3 more transcripts); c.813+5G>A (NM_001290129.3, NM_001438691.1, NM_001438692.1); c.450+5G>A (NM_001290130.2).
Identifiers: ClinVar variation 56608 (VCV000056608.5), dbSNP rs386834038, ClinGen allele CA263990.
Genomic context (GRCh38, chr1:46,194,269, plus strand): 5'-TTCCTGGGGCCCCCCTGCTGAGCTGGGAAGGAGTCCAAACCTCACTGTCTTAAGGCCCCA[C>T]TCACTGGGTCAGGGCTGAACTCGATGGGTGTGGGGTCCTTGCAGCTGCATACACTTCCAT-3'

ClinVar aggregate classification (germline): Likely pathogenic. Review status: criteria provided, multiple submitters, no conflicts (2 of 4 stars). 3 submissions from 3 submitters: Likely pathogenic (2). 1 of the submissions does not count toward it. Last evaluated 2024-07-29.

Conditions:
Muscle eye brain disease (MEB). Also called: Santavuori congenital muscular dystrophy. Identifiers: Orphanet 588, Orphanet 899, MedGen C0457133, MONDO:0018939.
Muscular dystrophy-dystroglycanopathy (congenital with brain and eye anomalies), type A3. Also called: Congenital muscular dystrophy-dystroglycanopathy with brain and eye anomalies, type A3; Muscular dystrophy-dystroglycanopathy (congenital with brain and eye anomalies), type A, 3; WALKER-WARBURG SYNDROME OR MUSCLE-EYE-BRAIN DISEASE, POMGNT1-RELATED. Identifiers: MedGen C3151519, MONDO:0009667, OMIM 253280.

gnomAD v4.1: 2 of 1,614,210 alleles (0.00012%); highest among the groups gnomAD compares: Non-Finnish European, 0.00017%; no homozygotes.

Submissions (3):

Natera, Inc.
Classification: Likely pathogenic for Muscle-eye-brain disease. Last evaluated: 2024-07-29. Review status: criteria provided, single submitter. Criteria: Natera Variant Classification Schema (03/2026). Collection method: clinical testing. Allele origin: germline.
Comment: The c.879+5G>A variant in POMGNT1 is an intronic variant located outside the canonical splice sites. This variant is rare in the general population with a frequency below the threshold expected for the associated phenotype(s). This variant has been observed in one or more individuals affected with the associated recessive disease, as either homozygous or compound heterozygous with a second variant (PMID: 15466003). Functional studies show that this variant may disrupt protein function (PMID: 15466003). Computational prediction algorithms indicate this variant is likely to affect gene or protein function. Given the available evidence, this variant is classified as Likely Pathogenic.

Baylor Genetics
Classification: Likely pathogenic for Muscular dystrophy-dystroglycanopathy (congenital with brain and eye anomalies), type A3. Last evaluated: 2024-01-15. Review status: criteria provided, single submitter. Criteria: ACMG Guidelines, 2015. Collection method: clinical testing. Allele origin: unknown.

Juha Muilu Group; Institute for Molecular Medicine Finland (FIMM)
Classification: Likely pathogenic for Muscle eye brain disease. Review status: no assertion criteria provided. Collection method: not provided. Allele origin: unknown. Not counted in ClinVar's aggregate classification.
Comment: FinDis database variant: This variant was not found or characterized by our laboratory, data were collected from public sources: see reference
ClinVar note: Converted during submission from probable-pathogenic to Likely pathogenic.

Literature cited by the submitters: PubMed 15466003 (cited by Natera, Inc.).